The following is an entry in ClinVar:

ClinVar aggregate classification (germline): Uncertain significance. Review status: criteria provided, multiple submitters, no conflicts (2 of 4 stars). 2 submissions from 2 submitters: Uncertain significance (2). Last evaluated 2025-04-09.

Conditions:
Inborn genetic diseases. Identifiers: MedGen C0950123, MeSH D030342.

gnomAD v4.1: 2 of 1,614,066 alleles (0.00012%); highest among the groups gnomAD compares: Admixed American, 0.0017%; no homozygotes.

Submissions (2):

Labcorp Genetics (formerly Invitae), Labcorp
Classification: Uncertain significance. Last evaluated: 2025-04-09. Review status: criteria provided, single submitter. Criteria: Invitae Variant Classification Sherloc (09022015). Collection method: clinical testing. Allele origin: germline.
Comment: This sequence change replaces threonine, which is neutral and polar, with isoleucine, which is neutral and non-polar, at codon 109 of the SAMD9 protein (p.Thr109Ile). This variant is present in population databases (rs751810299, gnomAD 0.006%). This variant has not been reported in the literature in individuals affected with SAMD9-related conditions. ClinVar contains an entry for this variant (Variation ID: 3437031). Invitae Evidence Modeling of protein sequence and biophysical properties (such as structural, functional, and spatial information, amino acid conservation, physicochemical variation, residue mobility, and thermodynamic stability) indicates that this missense variant is not expected to disrupt SAMD9 protein function with a negative predictive value of 95%. In summary, the available evidence is currently insufficient to determine the role of this variant in disease. Therefore, it has been classified as a Variant of Uncertain Significance.

Ambry Genetics
Classification: Uncertain significance for Inborn genetic diseases. Last evaluated: 2024-11-24. Review status: criteria provided, single submitter. Criteria: Ambry Variant Classification Scheme 2023. Collection method: clinical testing. Allele origin: germline.
Comment: The p.T109I variant (also known as c.326C>T), located in coding exon 1 of the SAMD9 gene, results from a C to T substitution at nucleotide position 326. The threonine at codon 109 is replaced by isoleucine, an amino acid with similar properties. This amino acid position is conserved. In addition, this alteration is predicted to be tolerated by in silico analysis. Based on the available evidence, the clinical significance of this variant remains unclear.

NM_017654.4(SAMD9):c.326C>T (p.Thr109Ile)

Gene: SAMD9 (sterile alpha motif domain containing 9; minus strand). Cytogenetic location: 7q21.2.
Variant type: single nucleotide variant.
Coding change: c.326C>T on transcript NM_017654.4 (MANE Select); coding-DNA position 326, C replaced by T.
Protein change: p.Thr109Ile; replaces threonine 109 with isoleucine.
Molecular consequence: missense variant.
Genome position (GRCh38, 1-based): chr7:93,105,772, G>A on the plus strand (C>T on the coding strand, the complement: SAMD9 is on the minus strand). VCF-style: chr7-93105772-G-A. GRCh37 (hg19) VCF-style: chr7-92735085-G-A.
Other names: c.326C>T, p.Thr109Ile (NM_001193307.2); short protein forms T109I.
Identifiers: ClinVar variation 3437031 (VCV003437031.3).